The following is an entry in ClinVar:

NM_000522.5(HOXA13):c.138_140dup (p.Ala51_Gly52insAla)

Genes: HOXA13 (homeobox A13; minus strand), LOC107126288 (NUP98-HOXA13 recombination region; plus strand). Cytogenetic location: 7p15.2.
Variant type: Duplication.
Coding change: c.138_140dup on transcript NM_000522.5 (MANE Select); coding-DNA positions 138 to 140, 3 bases duplicated (AGC; older notation c.138_140dupAGC).
Protein change: p.Ala51_Gly52insAla.
Molecular consequence: inframe insertion.
Genome position (GRCh38, 1-based): chr7:27,199,938-27,199,940, GCT duplicated on the plus strand (AGC on the coding strand, the reverse complement: HOXA13 is on the minus strand); duplicating any 3 consecutive bases within chr7:27,199,938-27,199,942 gives the same sequence; the c. name uses the placement nearest the transcript's 3' end. VCF-style (leftmost placement, unchanged base first): chr7-27199937-C-CGCT. GRCh37 (hg19) VCF-style: chr7-27239556-C-CGCT.
Identifiers: ClinVar variation 2954564 (VCV002954564.3), dbSNP rs927980563, ClinGen allele CA155875546.

ClinVar aggregate classification (germline): Uncertain significance (1 of 4 stars; one submission).

Submission:

Labcorp Genetics (formerly Invitae), Labcorp
Classification: Uncertain significance. Last evaluated: 2025-06-12. Review status: criteria provided, single submitter. Criteria: Invitae Variant Classification Sherloc (09022015). Collection method: clinical testing. Allele origin: germline.
Comment: This variant, c.138_140dup, results in the insertion of 1 amino acid(s) of the HOXA13 protein (p.Ala51dup), but otherwise preserves the integrity of the reading frame. This variant is not present in population databases (gnomAD no frequency). This variant has not been reported in the literature in individuals affected with HOXA13-related conditions. ClinVar contains an entry for this variant (Variation ID: 2954564). In summary, the available evidence is currently insufficient to determine the role of this variant in disease. Therefore, it has been classified as a Variant of Uncertain Significance.